The following is an entry in ClinVar:

ClinVar aggregate classification (germline): Likely benign. Review status: criteria provided, multiple submitters, no conflicts (2 of 4 stars). 2 submissions from 2 submitters: Likely benign (2). Last evaluated 2024-10-23.

Conditions:
BBS7-related disorder. Also called: BBS7-related condition.
Bardet-Biedl syndrome (BBS). Identifiers: Orphanet 110, MedGen C0752166, MONDO:0015229.

Allele frequency attached by ClinVar (database versions not stated): gnomAD exomes below 0.00001.
gnomAD v4.1: 1 of 1,613,850 alleles (0.000062%); highest among the groups gnomAD compares: Admixed American, 0.0017%; no homozygotes.

Submissions (2):

PreventionGenetics, part of Exact Sciences
Classification: Likely benign for BBS7-related condition. Last evaluated: 2024-10-23. Review status: criteria provided, single submitter. Criteria: ACMG Guidelines, 2015. Collection method: clinical testing. Allele origin: germline.
Comment: This variant is classified as likely benign based on ACMG/AMP sequence variant interpretation guidelines (Richards et al. 2015 PMID: 25741868, with internal and published modifications).

Labcorp Genetics (formerly Invitae), Labcorp
Classification: Likely benign for Bardet-Biedl syndrome. Last evaluated: 2023-10-04. Review status: criteria provided, single submitter. Criteria: Invitae Variant Classification Sherloc (09022015). Collection method: clinical testing. Allele origin: germline.

NM_176824.3(BBS7):c.153A>G (p.Lys51=)

Gene: BBS7 (Bardet-Biedl syndrome 7; minus strand). Cytogenetic location: 4q27.
Variant type: single nucleotide variant.
Coding change: c.153A>G on transcript NM_176824.3 (MANE Select); coding-DNA position 153, A replaced by G.
Protein change: p.Lys51=; no amino-acid change (lysine 51 retained).
Molecular consequence: synonymous variant.
Genome position (GRCh38, 1-based): chr4:121,863,229, T>C on the plus strand (A>G on the coding strand, the complement: BBS7 is on the minus strand). VCF-style: chr4-121863229-T-C. GRCh37 (hg19) VCF-style: chr4-122784384-T-C.
Other names: c.153A>G, p.Lys51= (NM_018190.4); c.153A>G (NM_176824.2).
Identifiers: ClinVar variation 2723780 (VCV002723780.4), dbSNP rs2476584140, ClinGen allele CA440912577.